The following is an entry in ClinVar:

NM_001904.4(CTNNB1):c.362A>C (p.Asn121Thr)

Genes: CTNNB1 (catenin beta 1; plus strand), LOC126806658 (BRD4-independent group 4 enhancer GRCh37_chr3:41265899-41267098; plus strand). Cytogenetic location: 3p22.1.
Variant type: single nucleotide variant.
Coding change: c.362A>C on transcript NM_001904.4 (MANE Select); coding-DNA position 362, A replaced by C.
Protein change: p.Asn121Thr; replaces asparagine 121 with threonine.
Molecular consequence: missense variant.
Genome position (GRCh38, 1-based): chr3:41,225,074, A>C. VCF-style: chr3-41225074-A-C. GRCh37 (hg19) VCF-style: chr3-41266565-A-C.
Other names: c.362A>C, p.Asn121Thr (NM_001098209.2, NM_001098210.2); c.341A>C, p.Asn114Thr (NM_001330729.2); short protein forms N114T, N121T.
Identifiers: ClinVar variation 1398665 (VCV001398665.8), dbSNP rs2125620385, ClinGen allele CA352229124.

ClinVar aggregate classification (germline): Uncertain significance (1 of 4 stars; one submission).

Allele frequency attached by ClinVar (database versions not stated): gnomAD exomes below 0.00001.
gnomAD v4.1: 1 of 1,614,112 alleles (0.000062%); highest among the groups gnomAD compares: Non-Finnish European, 0.000085%; no homozygotes.

Submission:

Labcorp Genetics (formerly Invitae), Labcorp
Classification: Uncertain significance. Last evaluated: 2025-08-20. Review status: criteria provided, single submitter. Criteria: Invitae Variant Classification Sherloc (09022015). Collection method: clinical testing. Allele origin: germline.
Comment: This sequence change replaces asparagine, which is neutral and polar, with threonine, which is neutral and polar, at codon 121 of the CTNNB1 protein (p.Asn121Thr). This variant is not present in population databases (gnomAD no frequency). This variant has not been reported in the literature in individuals affected with CTNNB1-related conditions. ClinVar contains an entry for this variant (Variation ID: 1398665). Invitae Evidence Modeling of protein sequence and biophysical properties (such as structural, functional, and spatial information, amino acid conservation, physicochemical variation, residue mobility, and thermodynamic stability) indicates that this missense variant is not expected to disrupt CTNNB1 protein function with a negative predictive value of 80%. In summary, the available evidence is currently insufficient to determine the role of this variant in disease. Therefore, it has been classified as a Variant of Uncertain Significance.